The following is an entry in ClinVar:

ClinVar aggregate classification (germline): Uncertain significance. Review status: criteria provided, multiple submitters, no conflicts (2 of 4 stars). 2 submissions from 2 submitters: Uncertain significance (2). Last evaluated 2025-07-18.

Allele frequency attached by ClinVar (database versions not stated): gnomAD exomes below 0.00001.
gnomAD v4.1: 1 of 1,613,594 alleles (0.000062%); highest among the groups gnomAD compares: Non-Finnish European, 0.000085%; no homozygotes.

Submissions (2):

Athena Diagnostics
Classification: Uncertain significance. Last evaluated: 2025-07-18. Review status: criteria provided, single submitter. Criteria: Athena Diagnostics Criteria. Collection method: clinical testing. Allele origin: unknown.
Comment: Available data are insufficient to determine the clinical significance of the variant at this time. This variant has not been reported in large, multi-ethnic general populations. Polyphen and MutationTaster predict this amino acid change may be damaging to the protein.

Labcorp Genetics (formerly Invitae), Labcorp
Classification: Uncertain significance. Last evaluated: 2025-06-16. Review status: criteria provided, single submitter. Criteria: Invitae Variant Classification Sherloc (09022015). Collection method: clinical testing. Allele origin: germline.
Comment: This sequence change replaces valine, which is neutral and non-polar, with leucine, which is neutral and non-polar, at codon 1697 of the NOTCH3 protein (p.Val1697Leu). This variant is not present in population databases (gnomAD no frequency). This variant has not been reported in the literature in individuals affected with NOTCH3-related conditions. ClinVar contains an entry for this variant (Variation ID: 2079522). Invitae Evidence Modeling of protein sequence and biophysical properties (such as structural, functional, and spatial information, amino acid conservation, physicochemical variation, residue mobility, and thermodynamic stability) indicates that this missense variant is not expected to disrupt NOTCH3 protein function with a negative predictive value of 95%. In summary, the available evidence is currently insufficient to determine the role of this variant in disease. Therefore, it has been classified as a Variant of Uncertain Significance.

NM_000435.3(NOTCH3):c.5089G>T (p.Val1697Leu)

Gene: NOTCH3 (notch receptor 3; minus strand). Cytogenetic location: 19p13.12.
Variant type: single nucleotide variant.
Coding change: c.5089G>T on transcript NM_000435.3 (MANE Select); coding-DNA position 5089, G replaced by T.
Protein change: p.Val1697Leu; replaces valine 1697 with leucine.
Molecular consequence: missense variant.
Genome position (GRCh38, 1-based): chr19:15,170,356, C>A on the plus strand (G>T on the coding strand, the complement: NOTCH3 is on the minus strand). VCF-style: chr19-15170356-C-A. GRCh37 (hg19) VCF-style: chr19-15281167-C-A.
Other names: c.5089G>T (NM_000435.2); short protein forms V1697L.
Identifiers: ClinVar variation 2079522 (VCV002079522.5), dbSNP rs971041880, ClinGen allele CA404497132.